The following is an entry in ClinVar:

ClinVar aggregate classification (germline): Uncertain significance (1 of 4 stars; one submission).

Conditions:
3-methylglutaconic aciduria, type VIIB (MGCA7B). Also called: CLPB Deficiency; 3-methylglutaconic aciduria, type VII, with cataracts, neurologic involvement and neutropenia; 3-methylglutaconic aciduria with cataracts, neurologic involvement and neutropenia. Identifiers: Orphanet 445038, MedGen C5676893, MONDO:0014561, OMIM 616271.

Allele frequency attached by ClinVar (database versions not stated): ESP Exome Variant Server 0.00008.
gnomAD v4.1: 5 of 1,612,302 alleles (0.00031%); highest among the groups gnomAD compares: African/African-American, 0.0067%; no homozygotes.

Submission:

Labcorp Genetics (formerly Invitae), Labcorp
Classification: Uncertain significance for 3-methylglutaconic aciduria, type VIIB. Last evaluated: 2023-10-27. Review status: criteria provided, single submitter. Criteria: Invitae Variant Classification Sherloc (09022015). Collection method: clinical testing. Allele origin: germline.
Comment: This sequence change replaces glycine, which is neutral and non-polar, with arginine, which is basic and polar, at codon 65 of the CLPB protein (p.Gly65Arg). This variant is present in population databases (rs368496010, gnomAD 0.008%). This variant has not been reported in the literature in individuals affected with CLPB-related conditions. Algorithms developed to predict the effect of missense changes on protein structure and function output the following: SIFT: "Not Available"; PolyPhen-2: "Benign"; Align-GVGD: "Not Available". The arginine amino acid residue is found in multiple mammalian species, which suggests that this missense change does not adversely affect protein function. In summary, the available evidence is currently insufficient to determine the role of this variant in disease. Therefore, it has been classified as a Variant of Uncertain Significance.

NM_001258392.3(CLPB):c.193G>C (p.Gly65Arg)

Genes: CLPB (ClpB family mitochondrial disaggregase; minus strand), LOC130006336 (ATAC-STARR-seq lymphoblastoid active region 5191; plus strand). Cytogenetic location: 11q13.4.
Variant type: single nucleotide variant.
Coding change: c.193G>C on transcript NM_001258392.3 (MANE Select); coding-DNA position 193, G replaced by C.
Protein change: p.Gly65Arg; replaces glycine 65 with arginine.
Molecular consequence: missense variant. On other transcripts: 5 prime UTR variant (1).
Genome position (GRCh38, 1-based): chr11:72,434,282, C>G on the plus strand (G>C on the coding strand, the complement: CLPB is on the minus strand). VCF-style: chr11-72434282-C-G. GRCh37 (hg19) VCF-style: chr11-72145326-C-G.
Other names: c.193G>C, p.Gly65Arg (NM_001258393.3, NM_030813.6); c.-50G>C (NM_001258394.3); short protein forms G65R.
Identifiers: ClinVar variation 2726233 (VCV002726233.3), dbSNP rs368496010, ClinGen allele CA224518669.